The following is an entry in ClinVar:

ClinVar aggregate classification (germline): Uncertain significance (1 of 4 stars; one submission).

Conditions:
Cardiovascular phenotype. Identifiers: MedGen CN230736.

Submission:

Ambry Genetics
Classification: Uncertain significance for Cardiovascular phenotype. Last evaluated: 2025-04-03. Review status: criteria provided, single submitter. Criteria: Ambry Variant Classification Scheme 2023. Collection method: clinical testing. Allele origin: germline.
Comment: The c.94+4G>A intronic variant results from a G to A substitution 4 nucleotides after coding exon 2 in the MFAP5 gene. This nucleotide position is not well conserved in available vertebrate species. In silico splice site analysis for this alteration is inconclusive. The evidence for this gene-disease relationship is limited; therefore, the clinical significance of this alteration is unclear.

NM_003480.4(MFAP5):c.94+4G>A

Gene: MFAP5 (microfibril associated protein 5; minus strand). Cytogenetic location: 12p13.31.
Variant type: single nucleotide variant.
Coding change: c.94+4G>A on transcript NM_003480.4 (MANE Select); 4 bases into the intron after coding-DNA position 94, G replaced by A.
Molecular consequence: intron variant.
Genome position (GRCh38, 1-based): chr12:8,660,859, C>T on the plus strand (G>A on the coding strand, the complement: MFAP5 is on the minus strand). VCF-style: chr12-8660859-C-T. GRCh37 (hg19) VCF-style: chr12-8813455-C-T.
Other names: c.58+1188G>A (NM_001297710.2); c.94+4G>A (NM_001297711.2, NM_001297712.2, NM_001297709.2).
Identifiers: ClinVar variation 4054239 (VCV004054239.1).